The following is an entry in ClinVar:

NM_032635.4(TMEM147):c.208-8_222delinsCT

Gene: TMEM147 (transmembrane protein 147; plus strand). Cytogenetic location: 19q13.12.
Variant type: Indel.
Coding change: c.208-8_222delinsCT on transcript NM_032635.4 (MANE Select); 8 bases into the intron before coding-DNA position 208 through coding-DNA position 222, ACCCGCAGGAGTTCATGAAGGCC replaced by CT.
Molecular consequence: splice acceptor variant. On other transcripts: intron variant (1).
Genome position (GRCh38, 1-based): chr19:35,546,664-35,546,686, ACCCGCAGGAGTTCATGAAGGCC replaced by CT. VCF-style: chr19-35546664-ACCCGCAGGAGTTCATGAAGGCC-CT. GRCh37 (hg19) VCF-style: chr19-36037566-ACCCGCAGGAGTTCATGAAGGCC-CT.
Other names: c.61-8_75delinsCT (NM_001242597.2); c.207+79_207+101delinsCT (NM_001242598.2).
Identifiers: ClinVar variation 3778700 (VCV003778700.1).

ClinVar aggregate classification (germline): Pathogenic (1 of 4 stars; one submission).

Conditions:
pseudo-Pelger-Huet anomaly.

Submission:

Kasturba Medical College, Manipal, Kasturba Medical College, Manipal, Manipal Academy of Higher Education, Manipal, India
Classification: Pathogenic for pseudo-Pelger-Huet anomaly. Review status: criteria provided, single submitter. Criteria: ACMG Guidelines, 2015. Collection method: research. Allele origin: de novo. Inheritance: Autosomal dominant inheritance. Affected: yes.
Comment: This variant is absent in heterozygous and/or homozygous state in population database, gnomAD (v.4.1.0) and in our in-house database of 3576 exomes. In silico analysis tool such as SpliceAI has predicted the variant to cause aberrant splicing.